The following is an entry in ClinVar:

NM_005751.5(AKAP9):c.9229G>A (p.Ala3077Thr)

Gene: AKAP9 (A-kinase anchoring protein 9; plus strand). Cytogenetic location: 7q21.2.
Variant type: single nucleotide variant.
Coding change: c.9229G>A on transcript NM_005751.5 (MANE Select); coding-DNA position 9229, G replaced by A.
Protein change: p.Ala3077Thr; replaces alanine 3077 with threonine.
Molecular consequence: missense variant.
Genome position (GRCh38, 1-based): chr7:92,089,400, G>A. VCF-style: chr7-92089400-G-A. GRCh37 (hg19) VCF-style: chr7-91718714-G-A.
Other names: c.3874G>A, p.Ala1292Thr (NM_001379277.1); c.9205G>A, p.Ala3069Thr (NM_147185.3); short protein forms A3077T, A3069T, A1292T.
Identifiers: ClinVar variation 360844 (VCV000360844.17), dbSNP rs189151663, ClinGen allele CA4337694.
Genomic context (GRCh38, chr7:92,089,400, plus strand): 5'-CCTTTACATTGCTCTTCACTTGTTTTTTACCTTCCTTTGTTACAGGGTGTTGAATATCAA[G>A]CAGCTATGGAATGCCTCCAGAAAGCAGATAGAAGGAGTTTGTTATCTGAAATTCAGGCAC-3'
Protein context (NP_005742.4, residues 3067-3087): RIQEQGVEYQ[Ala3077Thr]AMECLQKADR

ClinVar aggregate classification (germline): Conflicting classifications of pathogenicity. Review status: criteria provided, conflicting classifications (1 of 4 stars). 2 submissions from 2 submitters: Uncertain significance (1); Likely benign (1). Last evaluated 2025-10-11.

Conditions:
Cardiovascular phenotype. Identifiers: MedGen CN230736.
Long QT syndrome (LQTS). Identifiers: MedGen C0023976, MeSH D008133, MONDO:0002442. Disease mechanism: loss of function. Inheritance: Various modes of inheritance.

Allele frequency attached by ClinVar (database versions not stated): gnomAD 0.00001; gnomAD exomes 0.00001 and 0.00004; TOPMed 0.00002; ExAC 0.00003; 1000 Genomes Project 0.00040; 1000 Genomes Project 30x 0.00047.
gnomAD v4.1: 8 of 1,611,748 alleles (0.0005%); highest among the groups gnomAD compares: East Asian, 0.018%; no homozygotes.

Submissions (2):

Ambry Genetics
Classification: Likely benign for Cardiovascular phenotype. Last evaluated: 2025-10-11. Review status: criteria provided, single submitter. Criteria: Ambry Variant Classification Scheme 2023. Collection method: clinical testing. Allele origin: germline.

Labcorp Genetics (formerly Invitae), Labcorp
Classification: Uncertain significance for Long QT syndrome. Last evaluated: 2019-10-26. Review status: criteria provided, single submitter. Criteria: Invitae Variant Classification Sherloc (09022015). Collection method: clinical testing. Allele origin: germline.
Comment: Algorithms developed to predict the effect of missense changes on protein structure and function output the following: SIFT: "Tolerated"; PolyPhen-2: "Benign"; Align-GVGD: "Class C0". The threonine amino acid residue is found in multiple mammalian species, suggesting that this missense change does not adversely affect protein function. These predictions have not been confirmed by published functional studies and their clinical significance is uncertain. In summary, the available evidence is currently insufficient to determine the role of this variant in disease. Therefore, it has been classified as a Variant of Uncertain Significance. This variant has not been reported in the literature in individuals with AKAP9-related conditions. ClinVar contains an entry for this variant (Variation ID: 360844). This variant is present in population databases (rs189151663, ExAC 0.05%). This sequence change replaces alanine with threonine at codon 3077 of the AKAP9 protein (p.Ala3077Thr). The alanine residue is weakly conserved and there is a small physicochemical difference between alanine and threonine.